The following is an entry in ClinVar:

NM_000245.4(MET):c.3848dup (p.Tyr1284fs)

Gene: MET (MET proto-oncogene, receptor tyrosine kinase; plus strand). Cytogenetic location: 7q31.2.
Variant type: Duplication.
Coding change: c.3848dup on transcript NM_000245.4 (MANE Select); coding-DNA position 3848, one base duplicated (C; older notation c.3848dupC).
Protein change: p.Tyr1284fs; shifts the reading frame from tyrosine 1284.
Molecular consequence: frameshift variant.
Genome position (GRCh38, 1-based): chr7:116,795,704, C duplicated; the last of 2 consecutive C bases (chr7:116,795,703-116,795,704); duplicating either gives the same sequence. VCF-style (leftmost placement, unchanged base first): chr7-116795702-A-AC. GRCh37 (hg19) VCF-style: chr7-116435756-A-AC.
Other names: c.3902dup, p.Tyr1302fs (NM_001127500.3); c.2558dup, p.Tyr854fs (NM_001324402.2); short protein forms Y1284fs, Y1302fs, Y854fs.
Identifiers: ClinVar variation 2049657 (VCV002049657.4), dbSNP rs2485871857, ClinGen allele CA2580076243.

ClinVar aggregate classification (germline): Uncertain significance (1 of 4 stars; one submission).

Conditions:
Renal cell carcinoma. Identifiers: Orphanet 217071, MedGen C0007134, MeSH D002292, MONDO:0005086, HP:0005584.

Submission:

Labcorp Genetics (formerly Invitae), Labcorp
Classification: Uncertain significance for Renal cell carcinoma. Last evaluated: 2021-12-20. Review status: criteria provided, single submitter. Criteria: Invitae Variant Classification Sherloc (09022015). Collection method: clinical testing. Allele origin: germline.
Comment: In summary, the available evidence is currently insufficient to determine the role of this variant in disease. Therefore, it has been classified as a Variant of Uncertain Significance. Experimental studies and prediction algorithms are not available or were not evaluated, and the functional significance of this variant is currently unknown. This variant has not been reported in the literature in individuals affected with MET-related conditions. This variant is not present in population databases (gnomAD no frequency). This sequence change creates a premature translational stop signal (p.Tyr1302Leufs*3) in the MET gene. It is expected to result in an absent or disrupted protein product. However, the current clinical and genetic evidence is not sufficient to establish whether loss-of-function variants in MET cause disease.